The following is an entry in ClinVar:

ClinVar aggregate classification (germline): Benign/Likely benign. Review status: criteria provided, multiple submitters, no conflicts (2 of 4 stars). 3 submissions from 3 submitters: Benign (1); Likely benign (2). Last evaluated 2026-07-30.

Conditions:
Hereditary pheochromocytoma and paraganglioma. Also called: Hereditary pheochromocytoma-paraganglioma; Hereditary Paraganglioma-Pheochromocytoma Syndromes; Hereditary paragangliomas and pheochromocytomas. Identifiers: Orphanet 29072, MedGen C4274332, MONDO:0017366.
Hereditary cancer-predisposing syndrome. Also called: Tumor predisposition; Hereditary neoplastic syndrome; Hereditary Cancer Syndrome; Neoplastic Syndromes, Hereditary. Identifiers: Orphanet 140162, MedGen C0027672, MeSH D009386, MONDO:0015356.

Submissions (3):

Myriad Genetics, Inc.
Classification: Benign for Hereditary pheochromocytoma and paraganglioma. Last evaluated: 2026-07-30. Review status: criteria provided, single submitter. Criteria: Myriad Autosomal Dominant, Autosomal Recessive and X-Linked Classification Criteria (2023). Collection method: clinical testing. Allele origin: unknown.
Comment: This variant is considered benign. This variant is a silent/synonymous amino acid change and it is not expected to impact splicing.

Labcorp Genetics (formerly Invitae), Labcorp
Classification: Likely benign for Hereditary pheochromocytoma and paraganglioma. Last evaluated: 2024-10-28. Review status: criteria provided, single submitter. Criteria: Invitae Variant Classification Sherloc (09022015). Collection method: clinical testing. Allele origin: germline.

Ambry Genetics
Classification: Likely benign for Hereditary cancer-predisposing syndrome. Last evaluated: 2024-02-28. Review status: criteria provided, single submitter. Criteria: Ambry Variant Classification Scheme 2023. Collection method: clinical testing. Allele origin: germline.

NM_017849.4(TMEM127):c.537G>C (p.Leu179=)

Gene: TMEM127 (transmembrane protein 127; minus strand). Cytogenetic location: 2q11.2.
Variant type: single nucleotide variant.
Coding change: c.537G>C on transcript NM_017849.4 (MANE Select); coding-DNA position 537, G replaced by C.
Protein change: p.Leu179=; no amino-acid change (leucine 179 retained).
Molecular consequence: synonymous variant.
Genome position (GRCh38, 1-based): chr2:96,253,988, C>G on the plus strand (G>C on the coding strand, the complement: TMEM127 is on the minus strand). VCF-style: chr2-96253988-C-G. GRCh37 (hg19) VCF-style: chr2-96919726-C-G.
Other names: c.537G>C, p.Leu179= (NM_001193304.3); c.285G>C, p.Leu95= (NM_001407282.1, NM_001407283.1).
Identifiers: ClinVar variation 3227083 (VCV003227083.4), dbSNP rs1684148456, ClinGen allele CA427808030.